The following is an entry in ClinVar:

NM_199242.3(UNC13D):c.99G>A (p.Pro33=)

Gene: UNC13D (unc-13 homolog D; minus strand). Cytogenetic location: 17q25.1.
Variant type: single nucleotide variant.
Coding change: c.99G>A on transcript NM_199242.3 (MANE Select); coding-DNA position 99, G replaced by A.
Protein change: p.Pro33=; no amino-acid change (proline 33 retained).
Molecular consequence: synonymous variant.
Genome position (GRCh38, 1-based): chr17:75,844,239, C>T on the plus strand (G>A on the coding strand, the complement: UNC13D is on the minus strand). VCF-style: chr17-75844239-C-T. GRCh37 (hg19) VCF-style: chr17-73840320-C-T.
Identifiers: ClinVar variation 263249 (VCV000263249.37), dbSNP rs147886860, ClinGen allele CA8773676.

ClinVar aggregate classification (germline): Conflicting classifications of pathogenicity. Review status: criteria provided, conflicting classifications (1 of 4 stars). 6 submissions from 6 submitters: Uncertain significance (1); Benign (1); Likely benign (3). 1 of the submissions does not count toward it. Last evaluated 2026-02-04.

Conditions:
Autoinflammatory syndrome. Identifiers: Orphanet 93665, MedGen C3890737, MONDO:0019751.
UNC13D-related disorder. Also called: UNC13D-related condition.
Familial hemophagocytic lymphohistiocytosis 3 (FHL3). Also called: UNC13D-Related Familial Hemophagocytic Lymphohistiocytosis (UNC13D-fHLH). Identifiers: Orphanet 540, MedGen C1837174, MONDO:0012146, OMIM 608898.

Allele frequency attached by ClinVar (database versions not stated): 1000 Genomes Project 0.00060; ESP Exome Variant Server 0.00077; 1000 Genomes Project 30x 0.00078; gnomAD 0.00090 and 0.00092; gnomAD exomes 0.00095 and 0.00159; TOPMed 0.00104; ExAC 0.00133.

Submissions (6):

Labcorp Genetics (formerly Invitae), Labcorp
Classification: Benign for Familial hemophagocytic lymphohistiocytosis 3. Last evaluated: 2026-02-04. Review status: criteria provided, single submitter. Criteria: Invitae Variant Classification Sherloc (09022015). Collection method: clinical testing. Allele origin: germline.

CeGaT Center for Human Genetics Tuebingen
Classification: Likely benign. Last evaluated: 2024-12-01. Review status: criteria provided, single submitter. Criteria: CeGaT Center For Human Genetics Tuebingen Variant Classification Criteria Version 2. Collection method: clinical testing. Allele origin: germline. Affected: yes. Observed: 2 variant alleles.
Comment: UNC13D: BP4, BP7

Blueprint Genetics
Classification: Likely benign. Last evaluated: 2024-11-27. Review status: criteria provided, single submitter. Criteria: ACMG Guidelines, 2015. Collection method: clinical testing. Allele origin: germline.

Genome Diagnostics Laboratory, The Hospital for Sick Children
Classification: Likely benign for Autoinflammatory syndrome. Last evaluated: 2021-02-26. Review status: criteria provided, single submitter. Criteria: ACMG Guidelines, 2015. Collection method: clinical testing. Allele origin: germline. Affected: yes.

Illumina Laboratory Services, Illumina
Classification: Uncertain significance for Familial hemophagocytic lymphohistiocytosis 3. Last evaluated: 2018-01-12. Review status: criteria provided, single submitter. Criteria: ICSL Variant Classification Criteria 13 December 2019. Collection method: clinical testing. Allele origin: germline.

PreventionGenetics, part of Exact Sciences
Classification: Benign for UNC13D-related condition. Last evaluated: 2019-04-11. Review status: no assertion criteria provided. Collection method: clinical testing. Allele origin: germline. Not counted in ClinVar's aggregate classification.
Comment: This variant is classified as benign based on ACMG/AMP sequence variant interpretation guidelines (Richards et al. 2015 PMID: 25741868, with internal and published modifications).